The following is an entry in ClinVar:

NM_006005.3(WFS1):c.68C>T (p.Ala23Val)

Gene: WFS1 (wolframin ER transmembrane glycoprotein; plus strand). Cytogenetic location: 4p16.1.
Variant type: single nucleotide variant.
Coding change: c.68C>T on transcript NM_006005.3 (MANE Select); coding-DNA position 68, C replaced by T.
Protein change: p.Ala23Val; replaces alanine 23 with valine.
Molecular consequence: missense variant.
Genome position (GRCh38, 1-based): chr4:6,277,523, C>T. VCF-style: chr4-6277523-C-T. GRCh37 (hg19) VCF-style: chr4-6279250-C-T.
Other names: c.68C>T, p.Ala23Val (NM_001145853.1); short protein forms A23V.
Identifiers: ClinVar variation 1194445 (VCV001194445.6), dbSNP rs1040106557, ClinGen allele CA91787256.

ClinVar aggregate classification (germline): Uncertain significance. Review status: criteria provided, multiple submitters, no conflicts (2 of 4 stars). 2 submissions from 2 submitters: Uncertain significance (2). Last evaluated 2025-10-27.

Allele frequency attached by ClinVar (database versions not stated): gnomAD exomes 0.00001; TOPMed 0.00002.
gnomAD v4.1: 30 of 1,584,560 alleles (0.0019%); highest among the groups gnomAD compares: South Asian, 0.0035%; no homozygotes.

Submissions (2):

Labcorp Genetics (formerly Invitae), Labcorp
Classification: Uncertain significance. Last evaluated: 2025-10-27. Review status: criteria provided, single submitter. Criteria: Invitae Variant Classification Sherloc (09022015). Collection method: clinical testing. Allele origin: germline.
Comment: This sequence change replaces alanine, which is neutral and non-polar, with valine, which is neutral and non-polar, at codon 23 of the WFS1 protein (p.Ala23Val). The frequency data for this variant in the population databases is considered unreliable, as metrics indicate poor data quality at this position in the gnomAD database. This variant has not been reported in the literature in individuals affected with WFS1-related conditions. ClinVar contains an entry for this variant (Variation ID: 1194445). Invitae Evidence Modeling of protein sequence and biophysical properties (such as structural, functional, and spatial information, amino acid conservation, physicochemical variation, residue mobility, and thermodynamic stability) indicates that this missense variant is not expected to disrupt WFS1 protein function with a negative predictive value of 95%. In summary, the available evidence is currently insufficient to determine the role of this variant in disease. Therefore, it has been classified as a Variant of Uncertain Significance.

GeneDx
Classification: Uncertain significance. Last evaluated: 2025-01-23. Review status: criteria provided, single submitter. Criteria: GeneDx Variant Classification Process June 2021. Collection method: clinical testing. Allele origin: germline. Affected: yes.
Comment: In silico analysis supports that this missense variant does not alter protein structure/function; In silico analysis suggests this variant may impact gene splicing. In the absence of RNA/functional studies, the actual effect of this sequence change is unknown; This variant is associated with the following publications: (PMID: 39766859)